The following is an entry in ClinVar:

NM_001166108.2(PALLD):c.2260G>A (p.Val754Ile)

Genes: CBR4 (carbonyl reductase 4; minus strand), PALLD (palladin, cytoskeletal associated protein; plus strand). Cytogenetic location: 4q32.3.
Variant type: single nucleotide variant.
Coding change: c.2260G>A on transcript NM_001166108.2 (MANE Select); coding-DNA position 2260, G replaced by A.
Protein change: p.Val754Ile; replaces valine 754 with isoleucine.
Molecular consequence: missense variant.
Genome position (GRCh38, 1-based): chr4:168,898,502, G>A. VCF-style: chr4-168898502-G-A. GRCh37 (hg19) VCF-style: chr4-169819653-G-A.
Other names: c.1063G>A, p.Val355Ile (NM_001166109.2); c.748G>A, p.Val250Ile (NM_001166110.2); c.88G>A, p.Val30Ile (NM_001367567.1, NM_001367569.1); c.139G>A, p.Val47Ile (NM_001367568.1, NM_001367570.1); c.2209G>A, p.Val737Ile (NM_016081.4); short protein forms V47I, V754I, V250I, V30I, V355I, V737I.
Identifiers: ClinVar variation 2991700 (VCV002991700.3), dbSNP rs767260072, ClinGen allele CA358798554.

ClinVar aggregate classification (germline): Uncertain significance (1 of 4 stars; one submission).

Conditions:
Pancreatic adenocarcinoma. Identifiers: MedGen C0281361, MONDO:0006047, HP:0006725.

Submission:

Labcorp Genetics (formerly Invitae), Labcorp
Classification: Uncertain significance for Pancreatic adenocarcinoma. Last evaluated: 2023-08-09. Review status: criteria provided, single submitter. Criteria: Invitae Variant Classification Sherloc (09022015). Collection method: clinical testing. Allele origin: germline.
Comment: In summary, the available evidence is currently insufficient to determine the role of this variant in disease. Therefore, it has been classified as a Variant of Uncertain Significance. An algorithm developed to predict the effect of missense changes on protein structure and function (PolyPhen-2) suggests that this variant is likely to be tolerated. This variant has not been reported in the literature in individuals affected with PALLD-related conditions. This variant is not present in population databases (gnomAD no frequency). This sequence change replaces valine, which is neutral and non-polar, with isoleucine, which is neutral and non-polar, at codon 250 of the PALLD protein (p.Val250Ile).